The following is an entry in ClinVar:

NM_001278293.3(ARL6):c.430T>C (p.Ser144Pro)

Gene: ARL6 (ARF like GTPase 6; plus strand). Cytogenetic location: 3q11.2.
Variant type: single nucleotide variant.
Coding change: c.430T>C on transcript NM_001278293.3 (MANE Select); coding-DNA position 430, T replaced by C.
Protein change: p.Ser144Pro; replaces serine 144 with proline.
Molecular consequence: missense variant. On other transcripts: non-coding transcript variant (7).
Genome position (GRCh38, 1-based): chr3:97,788,070, T>C. VCF-style: chr3-97788070-T-C. GRCh37 (hg19) VCF-style: chr3-97506914-T-C.
Other names: c.430T>C, p.Ser144Pro (NM_001323513.2, NM_001323514.2, NM_032146.5 and 1 more transcripts); short protein forms S144P.
Identifiers: ClinVar variation 1408492 (VCV001408492.7), dbSNP rs1418049586, ClinGen allele CA353588396.

ClinVar aggregate classification (germline): Uncertain significance (1 of 4 stars; one submission).

Conditions:
Bardet-Biedl syndrome 3 (BBS3). Identifiers: Orphanet 110, MedGen C1859564, MONDO:0010832, OMIM 600151.
Retinitis pigmentosa 55 (RP55). Identifiers: Orphanet 791, MedGen C3150808, MONDO:0013312, OMIM 613575.

Allele frequency attached by ClinVar (database versions not stated): TOPMed below 0.00001; gnomAD 0.00001.
gnomAD v4.1: 1 of 1,613,242 alleles (0.000062%); highest among the groups gnomAD compares: African/African-American, 0.0013%; no homozygotes.

Submission:

Labcorp Genetics (formerly Invitae), Labcorp
Classification: Uncertain significance for Retinitis pigmentosa 55; Bardet-Biedl syndrome 3. Last evaluated: 2022-03-18. Review status: criteria provided, single submitter. Criteria: Invitae Variant Classification Sherloc (09022015). Collection method: clinical testing. Allele origin: germline.
Comment: This variant has not been reported in the literature in individuals affected with ARL6-related conditions. In summary, the available evidence is currently insufficient to determine the role of this variant in disease. Therefore, it has been classified as a Variant of Uncertain Significance. Algorithms developed to predict the effect of missense changes on protein structure and function are either unavailable or do not agree on the potential impact of this missense change (SIFT: "Deleterious"; PolyPhen-2: "Probably Damaging"; Align-GVGD: "Class C0"). This variant is not present in population databases (gnomAD no frequency). This sequence change replaces serine, which is neutral and polar, with proline, which is neutral and non-polar, at codon 144 of the ARL6 protein (p.Ser144Pro).